The following is an entry in ClinVar:

NM_000044.6(AR):c.1419_1421del (p.Glu474del)

Gene: AR (androgen receptor; plus strand). Cytogenetic location: Xq12.
Variant type: Deletion.
Coding change: c.1419_1421del on transcript NM_000044.6 (MANE Select); coding-DNA positions 1419 to 1421, 3 bases deleted (CGA; older notation c.1419_1421delCGA).
Protein change: p.Glu474del; deletes glutamic acid 474.
Molecular consequence: inframe deletion. On other transcripts: 5 prime UTR variant (1).
Genome position (GRCh38, 1-based): chrX:67,546,565-67,546,567, CGA deleted. VCF-style (leftmost placement, unchanged base first): chrX-67546564-GCGA-G. GRCh37 (hg19) VCF-style: chrX-66766406-GCGA-G.
Other names: c.1419_1421delCGA (NM_000044.3); c.-365_-363del (NM_001011645.3); c.1419_1421del, p.Glu474del (NM_001348061.1, NM_001348063.1, NM_001348064.1); short protein forms E474del.
Identifiers: ClinVar variation 1468498 (VCV001468498.9), dbSNP rs1929768492, ClinGen allele CA2435066752.

ClinVar aggregate classification (germline): Uncertain significance. Review status: criteria provided, single submitter (1 of 4 stars). 2 submissions from 2 submitters: Uncertain significance (1). 1 of the submissions does not count toward it. Last evaluated 2024-07-01.

Conditions:
Kennedy disease (SMAX1). Also called: SPINAL AND BULBAR MUSCULAR ATROPHY, X-LINKED 1; KENNEDY SPINAL AND BULBAR MUSCULAR ATROPHY; Spinal and Bulbar Muscular Atrophy. Identifiers: Orphanet 481, MedGen C1839259, MONDO:0010735, OMIM 313200.
Androgen resistance syndrome (AIS). Also called: ANDROGEN RECEPTOR DEFICIENCY; DIHYDROTESTOSTERONE RECEPTOR DEFICIENCY; Androgen insensitivity; DHTR DEFICIENCY; TESTICULAR FEMINIZATION SYNDROME; Androgen insensitivity syndrome. Identifiers: Orphanet 754, Orphanet 99429, MedGen C0039585, MONDO:0019154, OMIM 300068. Disease mechanism: loss of function.
AR-related disorder. Also called: AR-related condition.

Submissions (2):

Labcorp Genetics (formerly Invitae), Labcorp
Classification: Uncertain significance for Kennedy disease; Androgen resistance syndrome. Last evaluated: 2024-07-01. Review status: criteria provided, single submitter. Criteria: Invitae Variant Classification Sherloc (09022015). Collection method: clinical testing. Allele origin: germline.
Comment: This variant, c.1419_1421del, results in the deletion of 1 amino acid(s) of the AR protein (p.Glu474del), but otherwise preserves the integrity of the reading frame. This variant is not present in population databases (gnomAD no frequency). This variant has not been reported in the literature in individuals affected with AR-related conditions. ClinVar contains an entry for this variant (Variation ID: 1468498). Experimental studies and prediction algorithms are not available or were not evaluated, and the functional significance of this variant is currently unknown. In summary, the available evidence is currently insufficient to determine the role of this variant in disease. Therefore, it has been classified as a Variant of Uncertain Significance.

PreventionGenetics, part of Exact Sciences
Classification: Likely benign for AR-related condition. Last evaluated: 2023-05-01. Review status: no assertion criteria provided. Collection method: clinical testing. Allele origin: germline. Not counted in ClinVar's aggregate classification.
Comment: This variant is classified as likely benign based on ACMG/AMP sequence variant interpretation guidelines (Richards et al. 2015 PMID: 25741868, with internal and published modifications).